The following is an entry in ClinVar:

NM_001351132.2(PEX5):c.-17+151G>A

Gene: PEX5 (peroxisomal biogenesis factor 5; plus strand). Cytogenetic location: 12p13.31.
Variant type: single nucleotide variant.
Coding change: c.-17+151G>A on transcript NM_001351132.2 (MANE Select); 151 bases into the intron after 17 bases upstream of the start codon, G replaced by A.
Molecular consequence: intron variant. On other transcripts: 5 prime UTR variant (8).
Genome position (GRCh38, 1-based): chr12:7,189,901, G>A. VCF-style: chr12-7189901-G-A. GRCh37 (hg19) VCF-style: chr12-7342497-G-A.
Other names: c.-332G>A (NM_001131025.2, NM_001351130.3); c.-96G>A (NM_001300789.3, NM_001351135.3, NM_001351137.3); c.-477G>A (NM_001374647.2, NM_001374648.2, NM_001374649.2); c.-16-461G>A (NM_001351124.3); c.-211-121G>A (NM_001131026.2, NM_001351133.2, NM_001351127.2 and 1 more transcripts); c.-17+370G>A (NM_001351131.2, NM_001351126.2); c.-17+151G>A (NM_001374646.1, NM_001131023.2, NM_001351138.2 and 4 more transcripts); c.-90+151G>A (NM_001351134.2, NM_001351128.2); and 1 more.
Identifiers: ClinVar variation 310410 (VCV000310410.5), dbSNP rs146875386, ClinGen allele CA6425947.

ClinVar aggregate classification (germline): Likely benign (1 of 4 stars; one submission).

Conditions:
Peroxisome biogenesis disorder 2A (Zellweger) (PBD2A). Also called: Cerebrohepatorenal syndrome, variant types. Identifiers: Orphanet 912, MedGen C3550273, MONDO:0008954, OMIM 214110.

Allele frequency attached by ClinVar (database versions not stated): TOPMed 0.00086; 1000 Genomes Project 30x 0.00359; 1000 Genomes Project 0.00379.
gnomAD v4.1: 1,578 of 1,418,742 alleles (0.11%); highest among the groups gnomAD compares: East Asian, 3.8%; 38 homozygotes.

Submission:

Illumina Laboratory Services, Illumina
Classification: Likely benign for Peroxisome biogenesis disorder 2A (Zellweger). Last evaluated: 2018-01-12. Review status: criteria provided, single submitter. Criteria: ICSL Variant Classification Criteria 13 December 2019. Collection method: clinical testing. Allele origin: germline.
Comment: This variant was observed in the ICSL laboratory as part of a predisposition screen in an ostensibly healthy population. It had not been previously curated by ICSL or reported in the Human Gene Mutation Database (HGMD: prior to June 1st, 2018), and was therefore a candidate for classification through an automated scoring system. Utilizing variant allele frequency, disease prevalence and penetrance estimates, and inheritance mode, an automated score was calculated to assess if this variant is too frequent to cause the disease. Based on the score and internal cut-off values, a variant classified as likely benign is not then subjected to further curation. The score for this variant resulted in a classification of likely benign for this disease.